The following is an entry in ClinVar:

NM_022552.5(DNMT3A):c.31G>A (p.Asp11Asn)

Gene: DNMT3A (DNA methyltransferase 3 alpha; minus strand). Cytogenetic location: 2p23.3.
Variant type: single nucleotide variant.
Coding change: c.31G>A on transcript NM_022552.5 (MANE Select); coding-DNA position 31, G replaced by A.
Protein change: p.Asp11Asn; replaces aspartic acid 11 with asparagine.
Molecular consequence: missense variant. On other transcripts: non-coding transcript variant (1).
Genome position (GRCh38, 1-based): chr2:25,313,954, C>T on the plus strand (G>A on the coding strand, the complement: DNMT3A is on the minus strand). VCF-style: chr2-25313954-C-T. GRCh37 (hg19) VCF-style: chr2-25536823-C-T.
Other names: c.31G>A, p.Asp11Asn (NM_001320892.2, NM_175629.2, NM_175630.1); short protein forms D11N.
Identifiers: ClinVar variation 4773321 (VCV004773321.1).

ClinVar aggregate classification (germline): Uncertain significance (1 of 4 stars; one submission).

Conditions:
Tatton-Brown-Rahman overgrowth syndrome. Also called: Tatton-Brown-Rahman syndrome; Tall stature-intellectual disability-facial dysmorphism syndrome. Identifiers: Orphanet 404443, MedGen C4014545, MONDO:0014382, OMIM 615879.

gnomAD v4.1: 3 of 1,549,162 alleles (0.00019%); highest among the groups gnomAD compares: Non-Finnish European, 0.00026%; no homozygotes.

Submission:

Labcorp Genetics (formerly Invitae), Labcorp
Classification: Uncertain significance for Tatton-Brown-Rahman overgrowth syndrome. Last evaluated: 2025-04-11. Review status: criteria provided, single submitter. Criteria: Invitae Variant Classification Sherloc (09022015). Collection method: clinical testing. Allele origin: germline.
Comment: This sequence change replaces aspartic acid, which is acidic and polar, with asparagine, which is neutral and polar, at codon 11 of the DNMT3A protein (p.Asp11Asn). This variant is not present in population databases (gnomAD no frequency). This variant has not been reported in the literature in individuals affected with DNMT3A-related conditions. Invitae Evidence Modeling of protein sequence and biophysical properties (such as structural, functional, and spatial information, amino acid conservation, physicochemical variation, residue mobility, and thermodynamic stability) indicates that this missense variant is not expected to disrupt DNMT3A protein function with a negative predictive value of 95%. In summary, the available evidence is currently insufficient to determine the role of this variant in disease. Therefore, it has been classified as a Variant of Uncertain Significance.